The following is an entry in ClinVar:

ClinVar aggregate classification (germline): Uncertain significance (1 of 4 stars; one submission).

Conditions:
Spermatogenic failure 45. Identifiers: MedGen C5436791, MONDO:0033671, OMIM 619094.

Submission:

Juno Genomics, Hangzhou Juno Genomics, Inc
Classification: Uncertain significance for Spermatogenic failure 45. Review status: criteria provided, single submitter. Criteria: ACMG Guidelines, 2015. Collection method: clinical testing. Allele origin: germline.
Comment: Absent from controls (or at extremely low frequency if recessive) in Genome Aggregation Database.

NM_020877.5(DNAH2):c.11972del (p.Val3991fs)

Gene: DNAH2 (dynein axonemal heavy chain 2; plus strand). Cytogenetic location: 17p13.1.
Variant type: Deletion.
Coding change: c.11972del on transcript NM_020877.5 (MANE Select); coding-DNA position 11972, one base deleted (T; older notation c.11972delT).
Protein change: p.Val3991fs; shifts the reading frame from valine 3991.
Molecular consequence: frameshift variant.
Genome position (GRCh38, 1-based): chr17:7,830,418, T deleted. VCF-style (leftmost placement, unchanged base first): chr17-7830417-GT-G. GRCh37 (hg19) VCF-style: chr17-7733735-GT-G.
Other names: short protein forms V3991fs.
Identifiers: ClinVar variation 5005833 (VCV005005833.2).
Genomic context (GRCh38, chr17:7,830,417, plus strand): 5'-CGCTGCTCCAAACCTGCCAAATATAAGAAGCTGCTGTTTTCACTCTGTTTCTTCCACTCT[GT>G]GTTACTTGAACGCAAAAAGTTCCTGCAGCTTGGCTGGAACATCATCTATGGCTTCAATGA-3'